The following is an entry in ClinVar:

NM_014159.7(SETD2):c.6844_6845del (p.Val2282fs)

Gene: SETD2 (SET domain containing 2, histone lysine methyltransferase; minus strand). Cytogenetic location: 3p21.31.
Variant type: Microsatellite.
Coding change: c.6844_6845del on transcript NM_014159.7 (MANE Select); coding-DNA positions 6844 to 6845, 2 bases deleted (GT; older notation c.6844_6845delGT).
Protein change: p.Val2282fs; shifts the reading frame from valine 2282.
Molecular consequence: frameshift variant. On other transcripts: non-coding transcript variant (1).
Genome position (GRCh38, 1-based): chr3:47,056,939-47,056,940, AC deleted on the plus strand (GT on the coding strand, the reverse complement: SETD2 is on the minus strand); deleting any 2 consecutive bases within chr3:47,056,939-47,056,942 gives the same sequence; the c. name uses the placement nearest the transcript's 3' end. VCF-style (leftmost placement, unchanged base first): chr3-47056938-TAC-T. GRCh37 (hg19) VCF-style: chr3-47098428-TAC-T.
Other names: c.6844_6845delGT (NM_014159.6); c.6712_6713del, p.Val2238fs (NM_001349370.3); c.6842_6843GT[1], p.Val2282Thrfs (NM_014159.6); short protein forms V2238fs, V2282fs.
Identifiers: ClinVar variation 1804986 (VCV001804986.1), dbSNP rs2545459997, ClinGen allele CA1139771272.
Genomic context (GRCh38, chr3:47,056,938, plus strand): 5'-ACATGTCTGTCCTTGATAATATATGGTTGCTTGAGACTGTGCAGGAGAGTACTGCTGCTG[TAC>T]ACTGACAGACTGTTGGTTTGAATCCCAAACACTATAATTCTGTCCCTGAACTGGGCCGGG-3'

ClinVar aggregate classification (germline): Pathogenic (1 of 4 stars; one submission).

Conditions:
Luscan-Lumish syndrome. Identifiers: Orphanet 597738, MedGen C4085873, MONDO:0014791, OMIM 616831.

Submission:

Victorian Clinical Genetics Services, Murdoch Childrens Research Institute
Classification: Pathogenic for Luscan-Lumish syndrome. Last evaluated: 2021-05-06. Review status: criteria provided, single submitter. Criteria: ACMG Guidelines, 2015. Collection method: clinical testing. Allele origin: germline. Inheritance: Autosomal dominant inheritance.
Comment: Based on the classification scheme VCGS_Germline_v1.3.4, this variant is classified as Pathogenic. Following criteria are met: 0102 - Loss of function is a known mechanism of disease in this gene and is associated with Luscan-Lumish syndrome (MIM#616831). (I) 0107 - This gene is associated with autosomal dominant disease. (I) 0115 - Variants in this gene are known to have variable expressivity, where some patients do not present with overgrowth or obesity (PMID: 29681085). (I) 0201 - Variant is predicted to cause nonsense-mediated decay (NMD) and loss of protein (premature termination codon is located at least 54 nucleotides upstream of the final exon-exon junction). (SP) 0251 - This variant is heterozygous. (I) 0301 - Variant is absent from gnomAD (both v2 and v3). (SP) 0701 - Other NMD-predicted variants comparable to the one identified in this case have very strong previous evidence for pathogenicity. These variants have been reported multiple times as pathogenic, and have been reported in patients with Luscan-Lumish syndrome (Decipher, PMID: 26084711). (SP) 0807 - This variant has no previous evidence of pathogenicity. (I) 0905 - No published segregation evidence has been identified for this variant. (I) 1007 - No published functional evidence has been identified for this variant. (SP) Legend: (SP) - Supporting pathogenic, (I) - Information, (SB) - Supporting benign

Literature cited by the submitters: PubMed 26084711; PubMed 29681085.